The following is an entry in ClinVar:

ClinVar aggregate classification (germline): Uncertain significance. Review status: criteria provided, multiple submitters, no conflicts (2 of 4 stars). 3 submissions from 3 submitters: Uncertain significance (3). Last evaluated 2026-01-19.

Conditions:
SAMD9L-related disorder. Also called: SAMD9L-related condition; SAMD9L-related disorders.
Inborn genetic diseases. Identifiers: MedGen C0950123, MeSH D030342.

Submissions (3):

Labcorp Genetics (formerly Invitae), Labcorp
Classification: Uncertain significance. Last evaluated: 2026-01-19. Review status: criteria provided, single submitter. Criteria: Invitae Variant Classification Sherloc (09022015). Collection method: clinical testing. Allele origin: germline.
Comment: This sequence change replaces histidine, which is basic and polar, with arginine, which is basic and polar, at codon 1421 of the SAMD9L protein (p.His1421Arg). This variant is not present in population databases (gnomAD no frequency). This variant has not been reported in the literature in individuals affected with SAMD9L-related conditions. ClinVar contains an entry for this variant (Variation ID: 1713469). Invitae Evidence Modeling of protein sequence and biophysical properties (such as structural, functional, and spatial information, amino acid conservation, physicochemical variation, residue mobility, and thermodynamic stability) indicates that this missense variant is not expected to disrupt SAMD9L protein function with a negative predictive value of 80%. In summary, the available evidence is currently insufficient to determine the role of this variant in disease. Therefore, it has been classified as a Variant of Uncertain Significance.

PreventionGenetics, part of Exact Sciences
Classification: Uncertain significance for SAMD9L-related condition. Last evaluated: 2025-02-27. Review status: criteria provided, single submitter. Criteria: ACMG Guidelines, 2015. Collection method: clinical testing. Allele origin: germline.
Comment: The SAMD9L c.4262A>G variant is predicted to result in the amino acid substitution p.His1421Arg. To our knowledge, this variant has not been reported in the literature or in a large population database (gnomAD), indicating this variant is rare. At this time, the clinical significance of this variant is uncertain due to the absence of conclusive functional and genetic evidence.

Ambry Genetics
Classification: Uncertain significance for Inborn genetic diseases. Last evaluated: 2025-02-02. Review status: criteria provided, single submitter. Criteria: Ambry Variant Classification Scheme 2023. Collection method: clinical testing. Allele origin: germline.
Comment: The p.H1421R variant (also known as c.4262A>G), located in coding exon 1 of the SAMD9L gene, results from an A to G substitution at nucleotide position 4262. The histidine at codon 1421 is replaced by arginine, an amino acid with highly similar properties. This amino acid position is conserved. In addition, this alteration is predicted to be tolerated by in silico analysis. Based on the available evidence, the clinical significance of this variant remains unclear.

NM_152703.5(SAMD9L):c.4262A>G (p.His1421Arg)

Gene: SAMD9L (sterile alpha motif domain containing 9 like; minus strand). Cytogenetic location: 7q21.2.
Variant type: single nucleotide variant.
Coding change: c.4262A>G on transcript NM_152703.5 (MANE Select); coding-DNA position 4262, A replaced by G.
Protein change: p.His1421Arg; replaces histidine 1421 with arginine.
Molecular consequence: missense variant.
Genome position (GRCh38, 1-based): chr7:93,131,710, T>C on the plus strand (A>G on the coding strand, the complement: SAMD9L is on the minus strand). VCF-style: chr7-93131710-T-C. GRCh37 (hg19) VCF-style: chr7-92761023-T-C.
Other names: c.4262A>G, p.His1421Arg (NM_001303496.3, NM_001303497.3, NM_001303498.3 and 5 more transcripts); c.4262A>G (NM_152703.3, NM_152703.2); short protein forms H1421R.
Identifiers: ClinVar variation 1713469 (VCV001713469.7), dbSNP rs2535404638, ClinGen allele CA368175050.